The following is an entry in ClinVar:

ClinVar aggregate classification (germline): Benign/Likely benign. Review status: criteria provided, multiple submitters, no conflicts (2 of 4 stars). 9 submissions from 9 submitters: Benign (4); Likely benign (3). 2 of the submissions do not count toward it. Last evaluated 2026-02-04.

Conditions:
ANKRD1-related disorder. Also called: ANKRD1-related condition.
Cardiovascular phenotype. Identifiers: MedGen CN230736.
Congenital total pulmonary venous return anomaly (TAPVR1). Also called: TOTAL ANOMALOUS PULMONARY VENOUS RETURN 1; Total anomalous pulmonary venous return. Identifiers: Orphanet 99125, MedGen C4551903, MONDO:0007130, OMIM 106700, HP:0005160.
ANKRD1-related dilated cardiomyopathy. Identifiers: MedGen CN119551.

Submissions (12):

Labcorp Genetics (formerly Invitae), Labcorp
Classification: Benign for ANKRD1-related dilated cardiomyopathy. Last evaluated: 2026-02-04. Review status: criteria provided, single submitter. Criteria: Invitae Variant Classification Sherloc (09022015). Collection method: clinical testing. Allele origin: germline.

Blueprint Genetics
Classification: Likely benign. Last evaluated: 2024-11-27. Review status: criteria provided, single submitter. Criteria: ACMG Guidelines, 2015. Collection method: clinical testing. Allele origin: germline.

Mayo Clinic Laboratories, Mayo Clinic
Classification: Likely benign. Last evaluated: 2022-05-13. Review status: criteria provided, single submitter. Criteria: ACMG Guidelines, 2015. Collection method: clinical testing. Allele origin: germline. Observed: 464 variant alleles.

Genome Diagnostics Laboratory, University Medical Center Utrecht
Classification: Benign for Congenital total pulmonary venous return anomaly. Last evaluated: 2016-09-06. Review status: criteria provided, single submitter. Criteria: ACGS Guidelines, 2013. Collection method: clinical testing. Allele origin: germline. Affected: yes. Study: VKGL Data-share Consensus.

Laboratory for Molecular Medicine, Mass General Brigham Personalized Medicine
Classification: Benign. Last evaluated: 2016-04-25. Review status: criteria provided, single submitter. Criteria: LMM Criteria. Collection method: clinical testing. Allele origin: germline.
Comment: Variant identified in a genome or exome case(s) and assessed due to predicted null impact of the variant or pathogenic assertions in the literature or databases. Disclaimer: This variant has not undergone full assessment. The following are preliminary notes: Frequency

Ambry Genetics
Classification: Likely benign for Cardiovascular phenotype. Last evaluated: 2015-09-28. Review status: criteria provided, single submitter. Criteria: Ambry Variant Classification Scheme 2023. Collection method: clinical testing. Allele origin: germline.

GeneDx
Classification: Benign. Last evaluated: 2015-03-03. Review status: criteria provided, single submitter. Criteria: GeneDx Variant Classification Process June 2021. Collection method: clinical testing. Allele origin: germline. Affected: yes.

PreventionGenetics, part of Exact Sciences
Classification: Benign for ANKRD1-related condition. Last evaluated: 2022-07-03. Review status: no assertion criteria provided. Collection method: clinical testing. Allele origin: germline. Not counted in ClinVar's aggregate classification.
Comment: This variant is classified as benign based on ACMG/AMP sequence variant interpretation guidelines (Richards et al. 2015 PMID: 25741868, with internal and published modifications).

Diagnostic Laboratory, Department of Genetics, University Medical Center Groningen
Classification: Benign for Congenital total pulmonary venous return anomaly. Review status: no assertion criteria provided. Collection method: clinical testing. Allele origin: germline. Affected: yes. Study: VKGL Data-share Consensus. Not counted in ClinVar's aggregate classification.

Dr. Peter K. Rogan Lab, Western University
No classification provided (evidence only). Condition: Lung cancer. Review status: no classification provided. Collection method: in vitro. Allele origin: not applicable. Functional consequence: retained intron. Not counted in ClinVar's aggregate classification.

Dr. Peter K. Rogan Lab, Western University
No classification provided (evidence only). Condition: Lung cancer. Review status: no classification provided. Collection method: in vitro. Allele origin: not applicable. Functional consequence: retained intron. Not counted in ClinVar's aggregate classification.

Dr. Peter K. Rogan Lab, Western University
No classification provided (evidence only). Condition: Lung cancer. Review status: no classification provided. Collection method: in vitro. Allele origin: not applicable. Functional consequence: retained intron. Not counted in ClinVar's aggregate classification.

NM_014391.3(ANKRD1):c.346-29_346-12del

Gene: ANKRD1 (ankyrin repeat domain 1; minus strand). Cytogenetic location: 10q23.31.
Variant type: Deletion.
Coding change: c.346-29_346-12del on transcript NM_014391.3 (MANE Select); 29 bases into the intron before coding-DNA position 346 through 12 bases into the intron before coding-DNA position 346, 18 bases deleted (ATATATATATTTATTTAT).
Molecular consequence: intron variant.
Genome position (GRCh38, 1-based): chr10:90,918,984-90,919,001, ATAAATAAATATATATAT deleted on the plus strand (ATATATATATTTATTTAT on the coding strand, the reverse complement: ANKRD1 is on the minus strand); deleting any 18 consecutive bases within chr10:90,918,984-90,919,004 gives the same sequence; the c. name uses the placement nearest the transcript's 3' end. VCF-style (leftmost placement, unchanged base first): chr10-90918983-AATAAATAAATATATATAT-A. GRCh37 (hg19) VCF-style: chr10-92678740-AATAAATAAATATATATAT-A.
Other names: NC_000010.10:g.92678744_92678761del; c.346-35_346-12delATATATATATATATATTTATTTATinsATATAT (NM_014391.2); c.346-32_346-15del (NM_014391.3).
Identifiers: ClinVar variation 301605 (VCV000301605.25), dbSNP rs72003210, ClinGen allele CA5598750.